The following is an entry in ClinVar:

NM_000359.3(TGM1):c.1184C>T (p.Thr395Ile)

Gene: TGM1 (transglutaminase 1; minus strand). Cytogenetic location: 14q12.
Variant type: single nucleotide variant.
Coding change: c.1184C>T on transcript NM_000359.3 (MANE Select); coding-DNA position 1184, C replaced by T.
Protein change: p.Thr395Ile; replaces threonine 395 with isoleucine.
Molecular consequence: missense variant.
Genome position (GRCh38, 1-based): chr14:24,258,649, G>A on the plus strand (C>T on the coding strand, the complement: TGM1 is on the minus strand). VCF-style: chr14-24258649-G-A. GRCh37 (hg19) VCF-style: chr14-24727855-G-A.
Other names: short protein forms T395I.
Identifiers: ClinVar variation 553891 (VCV000553891.3), dbSNP rs372498705, ClinGen allele CA7131153.

ClinVar aggregate classification (germline): Uncertain significance. Review status: criteria provided, single submitter (1 of 4 stars). 2 submissions from 2 submitters: Uncertain significance (1). 1 of the submissions does not count toward it. Last evaluated 2024-04-04.

Conditions:
Autosomal recessive congenital ichthyosis 1 (LI1). Also called: ICHTHYOSIS, CONGENITAL, AUTOSOMAL RECESSIVE 1, WITH BATHING SUIT DISTRIBUTION; ICHTHYOSIS, CONGENITAL, AUTOSOMAL RECESSIVE 1, WITH OR WITHOUT BATHING SUIT DISTRIBUTION; COLLODION FETUS; DESQUAMATION OF NEWBORN; ICHTHYOSIS CONGENITA; ICHTHYOSIS CONGENITA II. Identifiers: MedGen C4551630, MONDO:0009441, OMIM 242300.

Allele frequency attached by ClinVar (database versions not stated): ExAC 0.00002; gnomAD exomes below 0.00001 and 0.00001; TOPMed 0.00002; ESP Exome Variant Server 0.00015.
gnomAD v4.1: 3 of 1,614,238 alleles (0.00019%); highest among the groups gnomAD compares: African/African-American, 0.0027%; no homozygotes.

Submissions (2):

Women's Health and Genetics/Laboratory Corporation of America, LabCorp
Classification: Uncertain significance. Last evaluated: 2024-04-04. Review status: criteria provided, single submitter. Criteria: LabCorp Variant Classification Summary - May 2015. Collection method: clinical testing. Allele origin: germline.
Comment: Variant summary: TGM1 c.1184C>T (p.Thr395Ile) results in a non-conservative amino acid change located in the Transglutaminase-like domain (IPR002931) of the encoded protein sequence. Four of five in-silico tools predict a damaging effect of the variant on protein function. The variant allele was found at a frequency of 1.2e-05 in 251316 control chromosomes. The available data on variant occurrences in the general population are insufficient to allow any conclusion about variant significance. c.1184C>T has been reported at a compound heterozygous state along with a second pathogenic variant in one individual affected with Lamellar Ichthyosis (Buckova_2016). These data do not allow any conclusion about variant significance. To our knowledge, no experimental evidence demonstrating an impact on protein function has been reported. The following publication have been ascertained in the context of this evaluation (PMID: 25998749). ClinVar contains an entry for this variant (Variation ID: 553891). Based on the evidence outlined above, the variant was classified as uncertain significance.

Counsyl
Classification: Uncertain significance for Autosomal recessive congenital ichthyosis 1. Last evaluated: 2017-09-18. Review status: no assertion criteria provided. Collection method: clinical testing. Allele origin: unknown. Not counted in ClinVar's aggregate classification.

Literature cited by the submitters: PubMed 25998749 (cited by Women's Health and Genetics/Laboratory Corporation of America, LabCorp and Counsyl).